The following is an entry in ClinVar:

ClinVar aggregate classification (germline): Uncertain significance. Review status: criteria provided, multiple submitters, no conflicts (2 of 4 stars). 3 submissions from 3 submitters: Uncertain significance (3). Last evaluated 2026-07-28.

Conditions:
Inborn genetic diseases. Identifiers: MedGen C0950123, MeSH D030342.
FOXC1-related disorder. Also called: FOXC1-related condition.
Axenfeld-Rieger syndrome type 3 (RIEG3). Also called: AXENFELD-RIEGER ANOMALY WITH CARDIAC DEFECTS AND/OR SENSORINEURAL HEARING LOSS. Identifiers: Orphanet 782, MedGen C2678503, MONDO:0011233, OMIM 602482.

Allele frequency attached by ClinVar (database versions not stated): gnomAD 0.00001.

Submissions (3):

Ambry Genetics
Classification: Uncertain significance for Inborn genetic diseases. Last evaluated: 2026-07-28. Review status: criteria provided, single submitter. Criteria: Ambry Variant Classification Scheme 2023. Collection method: clinical testing. Allele origin: germline.
Comment: The c.991G>C (p.G331R) alteration is located in exon 1 (coding exon 1) of the FOXC1 gene. This alteration results from a G to C substitution at nucleotide position 991, causing the glycine (G) at amino acid position 331 to be replaced by an arginine (R). Based on data from gnomAD, the C allele has an overall frequency of 0.002% (1/66372) total alleles studied. The highest observed frequency was <0.001% (/) of alleles. Based on insufficient or conflicting evidence, the clinical significance of this alteration remains unclear.

Labcorp Genetics (formerly Invitae), Labcorp
Classification: Uncertain significance for Axenfeld-Rieger syndrome type 3. Last evaluated: 2026-01-27. Review status: criteria provided, single submitter. Criteria: Invitae Variant Classification Sherloc (09022015). Collection method: clinical testing. Allele origin: germline.
Comment: This sequence change replaces glycine, which is neutral and non-polar, with arginine, which is basic and polar, at codon 331 of the FOXC1 protein (p.Gly331Arg). This variant is present in population databases (no rsID available, gnomAD no frequency). This variant has not been reported in the literature in individuals affected with FOXC1-related conditions. ClinVar contains an entry for this variant (Variation ID: 1981710). An algorithm developed to predict the effect of missense changes on protein structure and function (PolyPhen-2) suggests that this variant is likely to be tolerated. In summary, the available evidence is currently insufficient to determine the role of this variant in disease. Therefore, it has been classified as a Variant of Uncertain Significance.

PreventionGenetics, part of Exact Sciences
Classification: Uncertain significance for FOXC1-related condition. Last evaluated: 2025-02-27. Review status: criteria provided, single submitter. Criteria: ACMG Guidelines, 2015. Collection method: clinical testing. Allele origin: germline.
Comment: The FOXC1 c.991G>C variant is predicted to result in the amino acid substitution p.Gly331Arg. To our knowledge, this variant has not been reported in the literature or in a large population database (gnomAD), indicating this variant is rare. At this time, the clinical significance of this variant is uncertain due to the absence of conclusive functional and genetic evidence.

NM_001453.3(FOXC1):c.991G>C (p.Gly331Arg)

Gene: FOXC1 (forkhead box C1; plus strand). Cytogenetic location: 6p25.3.
Variant type: single nucleotide variant.
Coding change: c.991G>C on transcript NM_001453.3 (MANE Select); coding-DNA position 991, G replaced by C.
Protein change: p.Gly331Arg; replaces glycine 331 with arginine.
Molecular consequence: missense variant.
Genome position (GRCh38, 1-based): chr6:1,611,436, G>C. VCF-style: chr6-1611436-G-C. GRCh37 (hg19) VCF-style: chr6-1611671-G-C.
Other names: c.991G>C (NM_001453.2); short protein forms G331R.
Identifiers: ClinVar variation 1981710 (VCV001981710.6), dbSNP rs1242365822, ClinGen allele CA362560002.